The following is an entry in ClinVar:

ClinVar aggregate classification (germline): Uncertain significance (1 of 4 stars; one submission).

Conditions:
Mitochondrial hypertrophic cardiomyopathy with lactic acidosis due to MTO1 deficiency. Also called: CARDIOMYOPATHY, INFANTILE HYPERTROPHIC MITOCHONDRIAL, AND LACTIC ACIDOSIS; Combined oxidative phosphorylation deficiency 10. Identifiers: Orphanet 314637, MedGen C4749921, MONDO:0013865, OMIM 614702.

Submission:

Labcorp Genetics (formerly Invitae), Labcorp
Classification: Uncertain significance for Mitochondrial hypertrophic cardiomyopathy with lactic acidosis due to MTO1 deficiency. Last evaluated: 2024-08-19. Review status: criteria provided, single submitter. Criteria: Invitae Variant Classification Sherloc (09022015). Collection method: clinical testing. Allele origin: germline.
Comment: This variant, c.2062_2067del, results in the deletion of 2 amino acid(s) of the MTO1 protein (p.Gln688_Glu689del), but otherwise preserves the integrity of the reading frame. This variant is not present in population databases (gnomAD no frequency). This variant has not been reported in the literature in individuals affected with MTO1-related conditions. ClinVar contains an entry for this variant (Variation ID: 2020018). Experimental studies and prediction algorithms are not available or were not evaluated, and the functional significance of this variant is currently unknown. In summary, the available evidence is currently insufficient to determine the role of this variant in disease. Therefore, it has been classified as a Variant of Uncertain Significance.

NM_012123.4(MTO1):c.2062_2067del (p.Gln688_Glu689del)

Gene: MTO1 (mitochondrial tRNA translation optimization 1; plus strand). Cytogenetic location: 6q13.
Variant type: Deletion.
Coding change: c.2062_2067del on transcript NM_012123.4 (MANE Select); coding-DNA positions 2062 to 2067, 6 bases deleted (CAAGAG; older notation c.2062_2067delCAAGAG).
Protein change: p.Gln688_Glu689del.
Molecular consequence: inframe deletion.
Genome position (GRCh38, 1-based): chr6:73,500,718-73,500,723, CAAGAG deleted. VCF-style (leftmost placement, unchanged base first): chr6-73500717-TCAAGAG-T. GRCh37 (hg19) VCF-style: chr6-74210440-TCAAGAG-T.
Other names: c.2182_2187del, p.Gln728_Glu729del (NM_001123226.2); c.2137_2142del, p.Gln713_Glu714del (NM_133645.3).
Identifiers: ClinVar variation 2020018 (VCV002020018.4), dbSNP rs2533317262, ClinGen allele CA2580075771.